The following is an entry in ClinVar:

ClinVar aggregate classification (germline): Uncertain significance. Review status: criteria provided, multiple submitters, no conflicts (2 of 4 stars). 2 submissions from 2 submitters: Uncertain significance (2). Last evaluated 2025-10-02.

Conditions:
Inborn genetic diseases. Identifiers: MedGen C0950123, MeSH D030342.

Allele frequency attached by ClinVar (database versions not stated): gnomAD exomes below 0.00001; TOPMed below 0.00001; ExAC 0.00001; ESP Exome Variant Server 0.00008.
gnomAD v4.1: 6 of 1,614,174 alleles (0.00037%); highest among the groups gnomAD compares: Admixed American, 0.0033%; no homozygotes.

Submissions (2):

Ambry Genetics
Classification: Uncertain significance for Inborn genetic diseases. Last evaluated: 2025-10-02. Review status: criteria provided, single submitter. Criteria: Ambry Variant Classification Scheme 2023. Collection method: clinical testing. Allele origin: germline.

Labcorp Genetics (formerly Invitae), Labcorp
Classification: Uncertain significance. Last evaluated: 2022-08-13. Review status: criteria provided, single submitter. Criteria: Invitae Variant Classification Sherloc (09022015). Collection method: clinical testing. Allele origin: germline.
Comment: Algorithms developed to predict the effect of missense changes on protein structure and function (SIFT, PolyPhen-2, Align-GVGD) all suggest that this variant is likely to be tolerated. In summary, the available evidence is currently insufficient to determine the role of this variant in disease. Therefore, it has been classified as a Variant of Uncertain Significance. This variant has not been reported in the literature in individuals affected with TFRC-related conditions. This sequence change replaces lysine, which is basic and polar, with glutamic acid, which is acidic and polar, at codon 60 of the TFRC protein (p.Lys60Glu). This variant is present in population databases (rs368317794, gnomAD 0.006%).

NM_001128148.3(TFRC):c.178A>G (p.Lys60Glu)

Gene: TFRC (transferrin receptor; minus strand). Cytogenetic location: 3q29.
Variant type: single nucleotide variant.
Coding change: c.178A>G on transcript NM_001128148.3 (MANE Select); coding-DNA position 178, A replaced by G.
Protein change: p.Lys60Glu; replaces lysine 60 with glutamic acid.
Molecular consequence: missense variant. On other transcripts: intron variant (2).
Genome position (GRCh38, 1-based): chr3:196,075,219, T>C on the plus strand (A>G on the coding strand, the complement: TFRC is on the minus strand). VCF-style: chr3-196075219-T-C. GRCh37 (hg19) VCF-style: chr3-195802090-T-C.
Other names: c.178A>G, p.Lys60Glu (NM_003234.4); c.-413+1845A>G (NM_001313966.2); c.-5-1094A>G (NM_001313965.2); c.178A>G (NM_003234.2); short protein forms K60E.
Identifiers: ClinVar variation 1969541 (VCV001969541.6), dbSNP rs368317794, ClinGen allele CA2778383.